The following is an entry in ClinVar:

ClinVar aggregate classification (germline): Uncertain significance (1 of 4 stars; one submission).

Submission:

Labcorp Genetics (formerly Invitae), Labcorp
Classification: Uncertain significance. Last evaluated: 2025-08-18. Review status: criteria provided, single submitter. Criteria: Invitae Variant Classification Sherloc (09022015). Collection method: clinical testing. Allele origin: germline.
Comment: This sequence change replaces threonine, which is neutral and polar, with alanine, which is neutral and non-polar, at codon 226 of the TAF2 protein (p.Thr226Ala). This variant is not present in population databases (gnomAD no frequency). This variant has not been reported in the literature in individuals affected with TAF2-related conditions. ClinVar contains an entry for this variant (Variation ID: 1960344). Invitae Evidence Modeling of protein sequence and biophysical properties (such as structural, functional, and spatial information, amino acid conservation, physicochemical variation, residue mobility, and thermodynamic stability) indicates that this missense variant is not expected to disrupt TAF2 protein function with a negative predictive value of 80%. In summary, the available evidence is currently insufficient to determine the role of this variant in disease. Therefore, it has been classified as a Variant of Uncertain Significance.

NM_003184.4(TAF2):c.676A>G (p.Thr226Ala)

Gene: TAF2 (TATA-box binding protein associated factor 2; minus strand). Cytogenetic location: 8q24.12.
Variant type: single nucleotide variant.
Coding change: c.676A>G on transcript NM_003184.4 (MANE Select); coding-DNA position 676, A replaced by G.
Protein change: p.Thr226Ala; replaces threonine 226 with alanine.
Molecular consequence: missense variant.
Genome position (GRCh38, 1-based): chr8:119,801,910, T>C on the plus strand (A>G on the coding strand, the complement: TAF2 is on the minus strand). VCF-style: chr8-119801910-T-C. GRCh37 (hg19) VCF-style: chr8-120814150-T-C.
Other names: short protein forms T226A.
Identifiers: ClinVar variation 1960344 (VCV001960344.5), dbSNP rs2488443263, ClinGen allele CA371892143.